The following is an entry in ClinVar:

ClinVar aggregate classification (germline): Uncertain significance (1 of 4 stars; one submission).

Conditions:
Cardiovascular phenotype. Identifiers: MedGen CN230736.

Submission:

Ambry Genetics
Classification: Uncertain significance for Cardiovascular phenotype. Last evaluated: 2026-08-26. Review status: criteria provided, single submitter. Criteria: Ambry Variant Classification Scheme 2023. Collection method: clinical testing. Allele origin: germline.
Comment: The p.L533P variant (also known as c.1598T>C), located in coding exon 12 of the ENG gene, results from a T to C substitution at nucleotide position 1598. The leucine at codon 533 is replaced by proline, an amino acid with similar properties. This amino acid position is conserved. In addition, the in silico prediction for this alteration is inconclusive. Based on the available evidence, the clinical significance of this variant remains unclear.

NM_001114753.3(ENG):c.1598T>C (p.Leu533Pro)

Genes: ENG (endoglin; minus strand), LOC102723566 (uncharacterized LOC102723566; plus strand). Cytogenetic location: 9q34.11.
Variant type: single nucleotide variant.
Coding change: c.1598T>C on transcript NM_001114753.3 (MANE Select); coding-DNA position 1598, T replaced by C.
Protein change: p.Leu533Pro; replaces leucine 533 with proline.
Molecular consequence: missense variant.
Genome position (GRCh38, 1-based): chr9:127,818,208, A>G on the plus strand (T>C on the coding strand, the complement: ENG is on the minus strand). VCF-style: chr9-127818208-A-G. GRCh37 (hg19) VCF-style: chr9-130580487-A-G.
Other names: c.1598T>C, p.Leu533Pro (NM_000118.4); c.1052T>C, p.Leu351Pro (NM_001278138.2); short protein forms L351P, L533P.
Identifiers: ClinVar variation 5035990 (VCV005035990.1).